The following is an entry in ClinVar:

NM_000431.4(MVK):c.1A>C (p.Met1Leu)

Gene: MVK (mevalonate kinase; plus strand). Cytogenetic location: 12q24.11.
Variant type: single nucleotide variant.
Coding change: c.1A>C on transcript NM_000431.4 (MANE Select); coding-DNA position 1, A replaced by C.
Protein change: p.Met1Leu; changes the start codon (methionine 1).
Molecular consequence: missense variant, initiator codon variant. On other transcripts: non-coding transcript variant (4), intron variant (1).
Genome position (GRCh38, 1-based): chr12:109,574,823, A>C. VCF-style: chr12-109574823-A-C. GRCh37 (hg19) VCF-style: chr12-110012628-A-C.
Other names: c.1A>C, p.Met1Leu (NM_001114185.3, NM_001301182.2, NM_001414511.1 and 3 more transcripts); c.-505+950A>C (NM_001414515.1); short protein forms M1L.
Identifiers: ClinVar variation 2925505 (VCV002925505.3), dbSNP rs1241492890, ClinGen allele CA386642510.

ClinVar aggregate classification (germline): Pathogenic (1 of 4 stars; one submission).

Conditions:
Porokeratosis 3, disseminated superficial actinic type (POROK3). Also called: POROKERATOSIS, DISSEMINATED SUPERFICIAL ACTINIC, 1; POROKERATOSIS 3, MIBELLI TYPE; POROKERATOSIS 3, MULTIPLE TYPES. Identifiers: MedGen C1867981, MONDO:0008293, OMIM 175900.
Hyperimmunoglobulin D with periodic fever (HIDS). Also called: Hyperimmunoglobulinemia D with periodic fever; HYPERIMMUNOGLOBULINEMIA D AND PERIODIC FEVER SYNDROME; Hyperimmunoglobulinemia D. Identifiers: Orphanet 343, MedGen C0398691, MONDO:0009849, OMIM 260920.
Mevalonic aciduria (MEVA). Identifiers: Orphanet 29, MedGen C1959626, MONDO:0012481, OMIM 610377.

Allele frequency attached by ClinVar (database versions not stated): TOPMed below 0.00001.

Submission:

Labcorp Genetics (formerly Invitae), Labcorp
Classification: Pathogenic for Mevalonic aciduria; Hyperimmunoglobulin D with periodic fever; Porokeratosis 3, disseminated superficial actinic type. Last evaluated: 2023-12-22. Review status: criteria provided, single submitter. Criteria: Invitae Variant Classification Sherloc (09022015). Collection method: clinical testing. Allele origin: germline.
Comment: This sequence change affects the initiator methionine of the MVK mRNA. The next in-frame methionine is located at codon 195. This variant is present in population databases (no rsID available, gnomAD 0.001%). Disruption of the initiator codon has been observed in individual(s) with hyper IgD syndrome (PMID: 22038276). This variant is also known as p.Met1Leu. This variant disrupts a region of the MVK protein in which other variant(s) (p.His20Asn) have been determined to be pathogenic (PMID: 11313769, 27213830, 28501347). This suggests that this is a clinically significant region of the protein, and that variants that disrupt it are likely to be disease-causing. For these reasons, this variant has been classified as Pathogenic.

Literature cited by the submitters: PubMed 22038276; PubMed 11313769; PubMed 27213830; PubMed 28501347.